The following is an entry in ClinVar:

NM_001163809.2(WDR81):c.1604G>A (p.Arg535His)

Gene: WDR81 (WD repeat domain 81; plus strand). Cytogenetic location: 17p13.3.
Variant type: single nucleotide variant.
Coding change: c.1604G>A on transcript NM_001163809.2 (MANE Select); coding-DNA position 1604, G replaced by A.
Protein change: p.Arg535His; replaces arginine 535 with histidine.
Molecular consequence: missense variant. On other transcripts: intron variant (3).
Genome position (GRCh38, 1-based): chr17:1,726,563, G>A. VCF-style: chr17-1726563-G-A. GRCh37 (hg19) VCF-style: chr17-1629857-G-A.
Other names: c.-123-1427G>A (NM_152348.4); c.59-3817G>A (NM_001163673.2); c.-15+1777G>A (NM_001163811.2); short protein forms R535H.
Identifiers: ClinVar variation 733380 (VCV000733380.23), dbSNP rs563732828, ClinGen allele CA8273059.
Genomic context (GRCh38, chr17:1,726,563, plus strand): 5'-CAGCCTGGTGCAGCTCCAGCCAGGAGTTCGTAGCTGCCCACCGAGCCCTGCTGGAGAGCC[G>A]CGAGGTATCCCGGGACCTGCACCATTGGATCGACCTCACGTTTGGCTATAAACTCCAGGG-3'
Protein context (NP_001157281.1, residues 525-545): VAAHRALLES[Arg535His]EVSRDLHHWI

ClinVar aggregate classification (germline): Likely benign. Review status: criteria provided, multiple submitters, no conflicts (2 of 4 stars). 6 submissions from 6 submitters: Likely benign (5). 1 of the submissions does not count toward it. Last evaluated 2024-09-11.

Conditions:
Inborn genetic diseases. Identifiers: MedGen C0950123, MeSH D030342.
WDR81-related disorder. Also called: WDR81-related condition.
Hydrocephalus, congenital, 3, with brain anomalies. Also called: HYDROCEPHALUS, NONSYNDROMIC, AUTOSOMAL RECESSIVE 3. Identifiers: MedGen C4747885, MONDO:0054794, OMIM 617967.
Cerebellar ataxia, impaired intellectual development, and dysequilibrium syndrome 2. Also called: CEREBELLAR ATAXIA, MENTAL RETARDATION, AND DYSEQUILIBRIUM SYNDROME 2; CEREBELLAR ATAXIA AND MENTAL RETARDATION WITH OR WITHOUT QUADRUPEDAL LOCOMOTION 2; Cerebellar ataxia, intellectual disability, and dysequilibrium syndrome 2. Identifiers: Orphanet 1766, MedGen C2750234, MONDO:0012430, OMIM 610185.

Allele frequency attached by ClinVar (database versions not stated): gnomAD 0.00001 and 0.00015; TOPMed 0.00002; ExAC 0.00231; 1000 Genomes Project 0.00100; 1000 Genomes Project 30x 0.00094.

Submissions (6):

Ambry Genetics
Classification: Likely benign for Inborn genetic diseases. Last evaluated: 2024-09-11. Review status: criteria provided, single submitter. Criteria: Ambry Variant Classification Scheme 2023. Collection method: clinical testing. Allele origin: germline.

CeGaT Center for Human Genetics Tuebingen
Classification: Likely benign. Last evaluated: 2024-08-01. Review status: criteria provided, single submitter. Criteria: CeGaT Center For Human Genetics Tuebingen Variant Classification Criteria Version 2. Collection method: clinical testing. Allele origin: germline. Affected: yes. Observed: 1 variant allele.
Comment: WDR81: BP4

Fulgent Genetics
Classification: Likely benign for Cerebellar ataxia, impaired intellectual development, and dysequilibrium syndrome 2; Hydrocephalus, congenital, 3, with brain anomalies. Last evaluated: 2021-07-28. Review status: criteria provided, single submitter. Criteria: ACMG Guidelines, 2015. Collection method: clinical testing. Allele origin: unknown.

Labcorp Genetics (formerly Invitae), Labcorp
Classification: Likely benign. Last evaluated: 2018-05-03. Review status: criteria provided, single submitter. Criteria: Invitae Variant Classification Sherloc (09022015). Collection method: clinical testing. Allele origin: germline.

Breakthrough Genomics
Classification: Likely benign. Review status: criteria provided, single submitter. Criteria: ACMG Guidelines, 2015. Collection method: not provided. Allele origin: germline. Inheritance: Autosomal recessive inheritance. Affected: yes.

PreventionGenetics, part of Exact Sciences
Classification: Likely benign for WDR81-related condition. Last evaluated: 2024-08-24. Review status: no assertion criteria provided. Collection method: clinical testing. Allele origin: germline. Not counted in ClinVar's aggregate classification.
Comment: This variant is classified as likely benign based on ACMG/AMP sequence variant interpretation guidelines (Richards et al. 2015 PMID: 25741868, with internal and published modifications).